The following is an entry in ClinVar:

NM_152424.4(AMER1):c.3215dup (p.Pro1073fs)

Gene: AMER1 (APC membrane recruitment protein 1; minus strand). Cytogenetic location: Xq11.2.
Variant type: Duplication.
Coding change: c.3215dup on transcript NM_152424.4 (MANE Select); coding-DNA position 3215, one base duplicated (T; older notation c.3215dupT).
Protein change: p.Pro1073fs; shifts the reading frame from proline 1073.
Molecular consequence: frameshift variant.
Genome position (GRCh38, 1-based): chrX:64,190,072, A duplicated on the plus strand (T on the coding strand, the reverse complement: AMER1 is on the minus strand). VCF-style (leftmost placement, unchanged base first): chrX-64190071-T-TA. GRCh37 (hg19) VCF-style: chrX-63409951-T-TA.
Other names: short protein forms P1073fs.
Identifiers: ClinVar variation 2428941 (VCV002428941.3), dbSNP rs2521198973, ClinGen allele CA2580101261.

ClinVar aggregate classification (germline): Uncertain significance (1 of 4 stars; one submission).

Submission:

GeneDx
Classification: Uncertain significance. Last evaluated: 2023-01-31. Review status: criteria provided, single submitter. Criteria: GeneDx Variant Classification Process June 2021. Collection method: clinical testing. Allele origin: germline. Affected: yes.
Comment: Frameshift variant predicted to result in protein truncation as the last 63 amino acids are replaced with 20 different amino acids, although loss-of-function variants have not been reported downstream of this position in the protein; Not observed in large population cohorts (gnomAD); Has not been previously published as pathogenic or benign to our knowledge